The following is an entry in ClinVar:

NM_007294.4(BRCA1):c.195G>A (p.Lys65=)

Gene: BRCA1 (BRCA1 DNA repair associated; minus strand). Cytogenetic location: 17q21.31.
Variant type: single nucleotide variant.
Coding change: c.195G>A on transcript NM_007294.4 (MANE Select); coding-DNA position 195, G replaced by A.
Protein change: p.Lys65=; no amino-acid change (lysine 65 retained).
Molecular consequence: synonymous variant. On other transcripts: intron variant (95).
Genome position (GRCh38, 1-based): chr17:43,106,473, C>T on the plus strand (G>A on the coding strand, the complement: BRCA1 is on the minus strand). VCF-style: chr17-43106473-C-T. GRCh37 (hg19) VCF-style: chr17-41258490-C-T.
Other names: c.195G>A, p.Lys65= (NM_001407619.1, NM_001407620.1, NM_001407621.1 and 168 more transcripts); c.54G>A, p.Lys18= (NM_001407692.1, NM_001407694.1, NM_001407695.1 and 99 more transcripts); c.-218-11613G>A (NM_001407967.1, NM_001407966.1); c.-169-1517G>A (NM_001407959.1, NM_001407962.1, NM_001408512.1 and 4 more transcripts); c.2+5G>A (NM_001407885.1, NM_001407886.1, NM_001407898.1 and 58 more transcripts); c.81-1517G>A (NM_001408451.1); c.135-1517G>A (NM_001408475.1, NM_001407875.1, NM_001407659.1 and 21 more transcripts).
Identifiers: ClinVar variation 868268 (VCV000868268.3), dbSNP rs2054775153, ClinGen allele CA500128106.

Conditions:
Breast-ovarian cancer, familial, susceptibility to, 1 (BROVCA1). Also called: BRCA1 Hereditary Breast and Ovarian Cancer; OVARIAN CANCER, SUSCEPTIBILITY TO. Identifiers: Orphanet 145, MedGen C2676676, MONDO:0011450, OMIM 604370. Disease mechanism: loss of function.

Submission:

Brotman Baty Institute, University of Washington
No classification provided (evidence only). Condition: Breast-ovarian cancer, familial 1. Review status: no classification provided. Collection method: in vitro. Allele origin: not applicable. Functional consequence: functionally_normal.
ClinVar note: "not provided" was previously submitted as the classification for the variant. However, the classification appeared to be based only on an observation of functional data so it was converted to no classification on 2025-07-30.